The following is an entry in ClinVar:

NM_004104.5(FASN):c.2463C>G (p.Phe821Leu)

Gene: FASN (fatty acid synthase; minus strand). Cytogenetic location: 17q25.3.
Variant type: single nucleotide variant.
Coding change: c.2463C>G on transcript NM_004104.5 (MANE Select); coding-DNA position 2463, C replaced by G.
Protein change: p.Phe821Leu; replaces phenylalanine 821 with leucine.
Molecular consequence: missense variant.
Genome position (GRCh38, 1-based): chr17:82,088,520, G>C on the plus strand (C>G on the coding strand, the complement: FASN is on the minus strand). VCF-style: chr17-82088520-G-C. GRCh37 (hg19) VCF-style: chr17-80046396-G-C.
Other names: c.2463C>G (NM_004104.4); short protein forms F821L.
Identifiers: ClinVar variation 3003496 (VCV003003496.4), dbSNP rs1035887980, ClinGen allele CA295134217.

ClinVar aggregate classification (germline): Uncertain significance. Review status: criteria provided, multiple submitters, no conflicts (2 of 4 stars). 2 submissions from 2 submitters: Uncertain significance (2). Last evaluated 2025-08-24.

Conditions:
Epileptic encephalopathy. Identifiers: MedGen C0543888, HP:0200134.

gnomAD v4.1: 2 of 1,608,174 alleles (0.00012%); highest among the groups gnomAD compares: Non-Finnish European, 0.00017%; no homozygotes.

Submissions (2):

Ambry Genetics
Classification: Uncertain significance. Last evaluated: 2025-08-24. Review status: criteria provided, single submitter. Criteria: Ambry Variant Classification Scheme 2023. Collection method: clinical testing. Allele origin: germline.

Labcorp Genetics (formerly Invitae), Labcorp
Classification: Uncertain significance for Epileptic encephalopathy. Last evaluated: 2023-10-29. Review status: criteria provided, single submitter. Criteria: Invitae Variant Classification Sherloc (09022015). Collection method: clinical testing. Allele origin: germline.
Comment: This sequence change replaces phenylalanine, which is neutral and non-polar, with leucine, which is neutral and non-polar, at codon 821 of the FASN protein (p.Phe821Leu). This variant is not present in population databases (gnomAD no frequency). This variant has not been reported in the literature in individuals affected with FASN-related conditions. An algorithm developed to predict the effect of missense changes on protein structure and function (PolyPhen-2) suggests that this variant is likely to be tolerated. In summary, the available evidence is currently insufficient to determine the role of this variant in disease. Therefore, it has been classified as a Variant of Uncertain Significance.